The following is an entry in ClinVar:

ClinVar aggregate classification (germline): Uncertain significance (1 of 4 stars; one submission).

Conditions:
Aicardi-Goutieres syndrome 5. Identifiers: Orphanet 51, MedGen C2749659, MONDO:0013059, OMIM 612952.

gnomAD v4.1: 2 of 1,614,016 alleles (0.00012%); highest among the groups gnomAD compares: Non-Finnish European, 0.00017%; no homozygotes.

Submission:

Labcorp Genetics (formerly Invitae), Labcorp
Classification: Uncertain significance for Aicardi-Goutieres syndrome 5. Last evaluated: 2022-04-01. Review status: criteria provided, single submitter. Criteria: Invitae Variant Classification Sherloc (09022015). Collection method: clinical testing. Allele origin: germline.
Comment: In summary, the available evidence is currently insufficient to determine the role of this variant in disease. Therefore, it has been classified as a Variant of Uncertain Significance. Algorithms developed to predict the effect of missense changes on protein structure and function are either unavailable or do not agree on the potential impact of this missense change (SIFT: "Deleterious"; PolyPhen-2: "Possibly Damaging"; Align-GVGD: "Class C15"). This variant has not been reported in the literature in individuals affected with SAMHD1-related conditions. This variant is not present in population databases (gnomAD no frequency). This sequence change replaces arginine, which is basic and polar, with leucine, which is neutral and non-polar, at codon 333 of the SAMHD1 protein (p.Arg333Leu).

NM_015474.4(SAMHD1):c.998G>T (p.Arg333Leu)

Gene: SAMHD1 (SAM and HD domain containing deoxynucleoside triphosphate triphosphohydrolase 1; minus strand). Cytogenetic location: 20q11.23.
Variant type: single nucleotide variant.
Coding change: c.998G>T on transcript NM_015474.4 (MANE Select); coding-DNA position 998, G replaced by T.
Protein change: p.Arg333Leu; replaces arginine 333 with leucine.
Molecular consequence: missense variant.
Genome position (GRCh38, 1-based): chr20:36,916,786, C>A on the plus strand (G>T on the coding strand, the complement: SAMHD1 is on the minus strand). VCF-style: chr20-36916786-C-A. GRCh37 (hg19) VCF-style: chr20-35545189-C-A.
Other names: c.998G>T, p.Arg333Leu (NM_001363729.2, NM_001363733.2); short protein forms R333L.
Identifiers: ClinVar variation 1948861 (VCV001948861.5), dbSNP rs755046462, ClinGen allele CA408844987.